The following is an entry in ClinVar:

ClinVar aggregate classification (germline): Uncertain significance. Review status: criteria provided, multiple submitters, no conflicts (2 of 4 stars). 2 submissions from 2 submitters: Uncertain significance (2). Last evaluated 2026-10-14.

Submissions (2):

GeneDx
Classification: Uncertain significance. Last evaluated: 2026-10-14. Review status: criteria provided, single submitter. Criteria: GeneDx Variant Classification Process June 2021. Collection method: clinical testing. Allele origin: germline.
Comment: Not observed at significant frequency in large population cohorts (gnomAD); In silico analysis supports that this missense variant has a deleterious effect on protein structure/function; Has not been previously published as pathogenic or benign to our knowledge; This variant is associated with the following publications: (PMID: 23225343, 22522439)

Labcorp Genetics (formerly Invitae), Labcorp
Classification: Uncertain significance. Last evaluated: 2024-07-17. Review status: criteria provided, single submitter. Criteria: Invitae Variant Classification Sherloc (09022015). Collection method: clinical testing. Allele origin: germline.
Comment: This sequence change replaces glycine, which is neutral and non-polar, with serine, which is neutral and polar, at codon 326 of the COL4A2 protein (p.Gly326Ser). This variant is not present in population databases (gnomAD no frequency). This variant has not been reported in the literature in individuals affected with COL4A2-related conditions. Advanced modeling of protein sequence and biophysical properties (such as structural, functional, and spatial information, amino acid conservation, physicochemical variation, residue mobility, and thermodynamic stability) has been performed at Invitae for this missense variant, however the output from this modeling did not meet the statistical confidence thresholds required to predict the impact of this variant on COL4A2 protein function. In summary, the available evidence is currently insufficient to determine the role of this variant in disease. Therefore, it has been classified as a Variant of Uncertain Significance.

NM_001846.4(COL4A2):c.976G>A (p.Gly326Ser)

Gene: COL4A2 (collagen type IV alpha 2 chain; plus strand). Cytogenetic location: 13q34.
Variant type: single nucleotide variant.
Coding change: c.976G>A on transcript NM_001846.4 (MANE Select); coding-DNA position 976, G replaced by A.
Protein change: p.Gly326Ser; replaces glycine 326 with serine.
Molecular consequence: missense variant.
Genome position (GRCh38, 1-based): chr13:110,445,847, G>A. VCF-style: chr13-110445847-G-A. GRCh37 (hg19) VCF-style: chr13-111098194-G-A.
Other names: c.976G>A (NM_001846.2); short protein forms G326S.
Identifiers: ClinVar variation 3653513 (VCV003653513.4).